The following is an entry in ClinVar:

NM_000395.3(CSF2RB):c.1119G>A (p.Glu373=)

Gene: CSF2RB (colony stimulating factor 2 receptor subunit beta; plus strand). Cytogenetic location: 22q12.3.
Variant type: single nucleotide variant.
Coding change: c.1119G>A on transcript NM_000395.3 (MANE Select); coding-DNA position 1119, G replaced by A.
Protein change: p.Glu373=; no amino-acid change (glutamic acid 373 retained).
Molecular consequence: synonymous variant.
Genome position (GRCh38, 1-based): chr22:36,932,871, G>A. VCF-style: chr22-36932871-G-A. GRCh37 (hg19) VCF-style: chr22-37328913-G-A.
Identifiers: ClinVar variation 774748 (VCV000774748.35), dbSNP rs144452731, ClinGen allele CA10213701.
Genomic context (GRCh38, chr22:36,932,871, plus strand): 5'-CTACAGCCTGCGCTGGGAAACAATGAAAATGCGATACGAACACATAGACCACACATTTGA[G>A]ATCCAGTACAGGAAAGACACGGCCACGTGGAAGGTGAGGGCCTTTGCCCAGGGAGGGGAG-3'
Protein context (NP_000386.1, residues 363-383): MRYEHIDHTF[Glu373=]IQYRKDTATW

ClinVar aggregate classification (germline): Benign/Likely benign. Review status: criteria provided, multiple submitters, no conflicts (2 of 4 stars). 5 submissions from 5 submitters: Benign (2); Likely benign (1). 2 of the submissions do not count toward it. Last evaluated 2026-01-26.

Allele frequency attached by ClinVar (database versions not stated): 1000 Genomes Project 0.00200; 1000 Genomes Project 30x 0.00203; TOPMed 0.00276; ESP Exome Variant Server 0.00377; gnomAD 0.00401 and 0.00421; ExAC 0.00406; gnomAD exomes 0.00434 and 0.00529.
gnomAD v4.1: 8,257 of 1,614,150 alleles (0.51%); highest among the groups gnomAD compares: Non-Finnish European, 0.56%; 26 homozygotes.

Submissions (5):

Labcorp Genetics (formerly Invitae), Labcorp
Classification: Benign. Last evaluated: 2026-01-26. Review status: criteria provided, single submitter. Criteria: Invitae Variant Classification Sherloc (09022015). Collection method: clinical testing. Allele origin: germline.

CeGaT Center for Human Genetics Tuebingen
Classification: Likely benign. Last evaluated: 2024-11-01. Review status: criteria provided, single submitter. Criteria: CeGaT Center For Human Genetics Tuebingen Variant Classification Criteria Version 2. Collection method: clinical testing. Allele origin: germline. Affected: yes. Observed: 2 variant alleles.
Comment: CSF2RB: BP4, BP7, BS2

Breakthrough Genomics
Classification: Benign. Review status: criteria provided, single submitter. Criteria: ACMG Guidelines, 2015. Collection method: not provided. Allele origin: germline. Inheritance: Autosomal recessive inheritance. Affected: yes.

Clinical Genetics DNA and cytogenetics Diagnostics Lab, Erasmus MC, Erasmus Medical Center
Classification: Likely benign. Review status: no assertion criteria provided. Collection method: clinical testing. Allele origin: germline. Affected: yes. Study: VKGL Data-share Consensus. Not counted in ClinVar's aggregate classification.

Genome Diagnostics Laboratory, University Medical Center Utrecht
Classification: Likely benign. Review status: no assertion criteria provided. Collection method: clinical testing. Allele origin: germline. Affected: yes. Study: VKGL Data-share Consensus. Not counted in ClinVar's aggregate classification.